The following is an entry in ClinVar:

ClinVar aggregate classification (germline): Uncertain significance (1 of 4 stars; one submission).

Conditions:
Progressive myoclonic epilepsy type 7. Identifiers: Orphanet 435438, MedGen C4015420, MONDO:0014521, OMIM 616187.

Submission:

Labcorp Genetics (formerly Invitae), Labcorp
Classification: Uncertain significance for Progressive myoclonic epilepsy type 7. Last evaluated: 2022-07-26. Review status: criteria provided, single submitter. Criteria: Invitae Variant Classification Sherloc (09022015). Collection method: clinical testing. Allele origin: germline.
Comment: This variant is not present in population databases (gnomAD no frequency). In summary, the available evidence is currently insufficient to determine the role of this variant in disease. Therefore, it has been classified as a Variant of Uncertain Significance. Advanced modeling of protein sequence and biophysical properties (such as structural, functional, and spatial information, amino acid conservation, physicochemical variation, residue mobility, and thermodynamic stability) performed at Invitae indicates that this missense variant is expected to disrupt KCNC1 protein function. ClinVar contains an entry for this variant (Variation ID: 856922). This variant has not been reported in the literature in individuals affected with KCNC1-related conditions. This sequence change replaces alanine, which is neutral and non-polar, with proline, which is neutral and non-polar, at codon 512 of the KCNC1 protein (p.Ala512Pro).

NM_001112741.2(KCNC1):c.1534G>C (p.Ala512Pro)

Gene: KCNC1 (potassium voltage-gated channel subfamily C member 1; plus strand). Cytogenetic location: 11p15.1.
Variant type: single nucleotide variant.
Coding change: c.1534G>C on transcript NM_001112741.2 (MANE Select); coding-DNA position 1534, G replaced by C.
Protein change: p.Ala512Pro; replaces alanine 512 with proline.
Molecular consequence: missense variant.
Genome position (GRCh38, 1-based): chr11:17,779,485, G>C. VCF-style: chr11-17779485-G-C. GRCh37 (hg19) VCF-style: chr11-17801032-G-C.
Other names: short protein forms A512P.
Identifiers: ClinVar variation 856922 (VCV000856922.10), dbSNP rs777209898, ClinGen allele CA379814057.